The following is an entry in ClinVar:

NM_001103.4(ACTN2):c.2395A>G (p.Thr799Ala)

Gene: ACTN2 (actinin alpha 2; plus strand). Cytogenetic location: 1q43.
Variant type: single nucleotide variant.
Coding change: c.2395A>G on transcript NM_001103.4 (MANE Select); coding-DNA position 2395, A replaced by G.
Protein change: p.Thr799Ala; replaces threonine 799 with alanine.
Molecular consequence: missense variant.
Genome position (GRCh38, 1-based): chr1:236,761,042, A>G. VCF-style: chr1-236761042-A-G. GRCh37 (hg19) VCF-style: chr1-236924342-A-G.
Other names: c.2395A>G, p.Thr799Ala (NM_001278343.2); c.1771A>G, p.Thr591Ala (NM_001278344.2); c.1645A>G, p.Thr549Ala (NM_001412150.1); short protein forms T549A, T591A, T799A.
Identifiers: ClinVar variation 1712656 (VCV001712656.4), dbSNP rs1659689107, ClinGen allele CA345390695.

ClinVar aggregate classification (germline): Uncertain significance. Review status: criteria provided, multiple submitters, no conflicts (2 of 4 stars). 2 submissions from 2 submitters: Uncertain significance (2). Last evaluated 2022-04-19.

Conditions:
Cardiovascular phenotype. Identifiers: MedGen CN230736.

Allele frequency attached by ClinVar (database versions not stated): gnomAD exomes 0.00001.
gnomAD v4.1: 3 of 1,614,126 alleles (0.00019%); highest among the groups gnomAD compares: Non-Finnish European, 0.00025%; no homozygotes.

Submissions (2):

GeneDx
Classification: Uncertain significance. Last evaluated: 2022-04-19. Review status: criteria provided, single submitter. Criteria: GeneDx Variant Classification Process June 2021. Collection method: clinical testing. Allele origin: germline. Affected: yes.
Comment: Not observed at significant frequency in large population cohorts (gnomAD); In silico analysis supports that this missense variant does not alter protein structure/function; Has not been previously published as pathogenic or benign to our knowledge

Ambry Genetics
Classification: Uncertain significance for Cardiovascular phenotype. Last evaluated: 2022-03-04. Review status: criteria provided, single submitter. Criteria: Ambry Variant Classification Scheme 2023. Collection method: clinical testing. Allele origin: germline.
Comment: The p.T799A variant (also known as c.2395A>G), located in coding exon 20 of the ACTN2 gene, results from an A to G substitution at nucleotide position 2395. The threonine at codon 799 is replaced by alanine, an amino acid with similar properties. This amino acid position is conserved. In addition, this alteration is predicted to be tolerated by in silico analysis. Since supporting evidence is limited at this time, the clinical significance of this alteration remains unclear.